The following is an entry in ClinVar:

NM_001256863.1(USP17L22):c.1026A>G (p.Gln342=)

Gene: USP17L22 (ubiquitin specific peptidase 17 like family member 22; plus strand). Cytogenetic location: 4p16.1.
Variant type: single nucleotide variant.
Coding change: c.1026A>G on transcript NM_001256863.1 (MANE Select); coding-DNA position 1026, A replaced by G.
Protein change: p.Gln342=; no amino-acid change (glutamine 342 retained).
Molecular consequence: synonymous variant.
Genome position (GRCh38, 1-based): chr4:9,268,644, A>G. VCF-style: chr4-9268644-A-G. GRCh37 (hg19) VCF-style: chr4-9270370-A-G.
Identifiers: ClinVar variation 4084060 (VCV004084060.8).

ClinVar aggregate classification (germline): Likely benign (1 of 4 stars; one submission).

gnomAD v4.1: 217 of 490,772 alleles (0.044%); highest among the groups gnomAD compares: African/African-American, 0.79%; 28 homozygotes.

Submission:

CeGaT Center for Human Genetics Tuebingen
Classification: Likely benign. Last evaluated: 2025-06-01. Review status: criteria provided, single submitter. Criteria: CeGaT Center For Human Genetics Tuebingen Variant Classification Criteria Version 2. Collection method: clinical testing. Allele origin: germline. Affected: yes. Observed: 1 variant allele.
Comment: USP17L22: BP4, BP7